The following is an entry in ClinVar:

NM_024642.5(GALNT12):c.729G>A (p.Gln243=)

Gene: GALNT12 (polypeptide N-acetylgalactosaminyltransferase 12; plus strand). Cytogenetic location: 9q22.33.
Variant type: single nucleotide variant.
Coding change: c.729G>A on transcript NM_024642.5 (MANE Select); coding-DNA position 729, G replaced by A.
Protein change: p.Gln243=; no amino-acid change (glutamine 243 retained).
Molecular consequence: synonymous variant.
Genome position (GRCh38, 1-based): chr9:98,826,939, G>A. VCF-style: chr9-98826939-G-A. GRCh37 (hg19) VCF-style: chr9-101589221-G-A.
Identifiers: ClinVar variation 4875906 (VCV004875906.1).
Genomic context (GRCh38, chr9:98,826,939, plus strand): 5'-TCTGACCTTCCTGGACTGTCACTGTGAGTGCCACGAAGGGTGGCTGGAGCCGCTGCTGCA[G>A]AGGTACGTGAGCCGCCCACCATGGGAGAGACAGCATGTTACCTGGAGTAGGTAGCATGAG-3'
Protein context (NP_078918.3, residues 233-253): CHEGWLEPLL[Gln243=]RIHEEESAVV

ClinVar aggregate classification (germline): Benign (1 of 4 stars; one submission).

Conditions:
Colorectal cancer, susceptibility to, 1. Also called: COLORECTAL ADENOMA AND CANCER, SUSCEPTIBILITY TO; COLORECTAL CANCER, SUSCEPTIBILITY TO, ON CHROMOSOME 9. Identifiers: MedGen C1837315, MONDO:0012132, OMIM 608812.

Submission:

Myriad Genetics, Inc.
Classification: Benign for Colorectal cancer, susceptibility to, 1. Last evaluated: 2026-04-24. Review status: criteria provided, single submitter. Criteria: Myriad Autosomal Dominant, Autosomal Recessive and X-Linked Classification Criteria (2023). Collection method: clinical testing. Allele origin: unknown.
Comment: This variant is considered benign. This variant is a silent/synonymous amino acid change and it is not expected to impact splicing.